The following is an entry in ClinVar:

ClinVar aggregate classification (germline): Uncertain significance (1 of 4 stars; one submission).

gnomAD v4.1: 2 of 1,614,118 alleles (0.00012%); highest among the groups gnomAD compares: East Asian, 0.0022%; no homozygotes.

Submission:

Labcorp Genetics (formerly Invitae), Labcorp
Classification: Uncertain significance. Last evaluated: 2024-07-31. Review status: criteria provided, single submitter. Criteria: Invitae Variant Classification Sherloc (09022015). Collection method: clinical testing. Allele origin: germline.
Comment: This sequence change replaces arginine, which is basic and polar, with glutamine, which is neutral and polar, at codon 113 of the CLP1 protein (p.Arg113Gln). This variant is present in population databases (rs747757925, gnomAD 0.006%). This variant has not been reported in the literature in individuals affected with CLP1-related conditions. Advanced modeling of protein sequence and biophysical properties (such as structural, functional, and spatial information, amino acid conservation, physicochemical variation, residue mobility, and thermodynamic stability) performed at Invitae indicates that this missense variant is not expected to disrupt CLP1 protein function with a negative predictive value of 80%. In summary, the available evidence is currently insufficient to determine the role of this variant in disease. Therefore, it has been classified as a Variant of Uncertain Significance.

NM_006831.3(CLP1):c.338G>A (p.Arg113Gln)

Gene: CLP1 (cleavage factor polyribonucleotide kinase subunit 1; plus strand). Cytogenetic location: 11q12.1.
Variant type: single nucleotide variant.
Coding change: c.338G>A on transcript NM_006831.3 (MANE Select); coding-DNA position 338, G replaced by A.
Protein change: p.Arg113Gln; replaces arginine 113 with glutamine.
Molecular consequence: missense variant.
Genome position (GRCh38, 1-based): chr11:57,659,814, G>A. VCF-style: chr11-57659814-G-A. GRCh37 (hg19) VCF-style: chr11-57427286-G-A.
Other names: c.338G>A, p.Arg113Gln (NM_001142597.2); short protein forms R113Q.
Identifiers: ClinVar variation 3612539 (VCV003612539.1).
Genomic context (GRCh38, chr11:57,659,814, plus strand): 5'-ACCTCAACACTCACACAGCCTTGGAACAGATGCGGAGGCAAGCGGAAAAGGAAGAAGAGC[G>A]AGGTCCCCGAGTGATGGTAGTGGGCCCCACTGATGTGGGCAAGTCTACAGTGTGTCGCCT-3'
Protein context (NP_006822.1, residues 103-123): MRRQAEKEEE[Arg113Gln]GPRVMVVGPT